The following is an entry in ClinVar:

ClinVar aggregate classification (germline): Benign/Likely benign. Review status: criteria provided, multiple submitters, no conflicts (2 of 4 stars). 5 submissions from 5 submitters: Benign (2); Likely benign (1). 2 of the submissions do not count toward it. Last evaluated 2025-02-16.

Conditions:
Deficiency of phosphoserine phosphatase (PSPHD). Also called: Phosphoserine phosphatase deficiency; PSPH deficiency. Identifiers: Orphanet 79350, MedGen C1291463, MONDO:0013531, OMIM 614023.

Allele frequency attached by ClinVar (database versions not stated): gnomAD exomes 0.03604; ExAC 0.05899; 1000 Genomes Project 30x 0.35946.

Submissions (5):

Laboratory of Genetics, Children's Clinical University Hospital Latvia
Classification: Likely benign. Last evaluated: 2025-02-16. Review status: criteria provided, single submitter. Criteria: ACMG Guidelines, 2015. Collection method: clinical testing. Allele origin: germline. Affected: yes.

GeneDx
Classification: Benign. Last evaluated: 2021-03-31. Review status: criteria provided, single submitter. Criteria: GeneDx Variant Classification Process June 2021. Collection method: clinical testing. Allele origin: germline. Affected: yes.

Illumina Laboratory Services, Illumina
Classification: Benign for Deficiency of phosphoserine phosphatase. Last evaluated: 2018-01-13. Review status: criteria provided, single submitter. Criteria: ICSL Variant Classification Criteria 13 December 2019. Collection method: clinical testing. Allele origin: germline.
Comment: This variant was observed in the ICSL laboratory as part of a predisposition screen in an ostensibly healthy population. It had not been previously curated by ICSL or reported in the Human Gene Mutation Database (HGMD: prior to June 1st, 2018), and was therefore a candidate for classification through an automated scoring system. Utilizing variant allele frequency, disease prevalence and penetrance estimates, and inheritance mode, an automated score was calculated to assess if this variant is too frequent to cause the disease. Based on the score and internal cut-off values, a variant classified as benign is not then subjected to further curation. The score for this variant resulted in a classification of benign for this disease.

Diagnostic Laboratory, Department of Genetics, University Medical Center Groningen
Classification: Likely benign. Review status: no assertion criteria provided. Collection method: clinical testing. Allele origin: germline. Affected: yes. Study: VKGL Data-share Consensus. Not counted in ClinVar's aggregate classification.

Laboratory of Diagnostic Genome Analysis, Leiden University Medical Center (LUMC)
Classification: Likely benign. Review status: no assertion criteria provided. Collection method: clinical testing. Allele origin: germline. Affected: yes. Study: VKGL Data-share Consensus. Not counted in ClinVar's aggregate classification.

NM_004577.4(PSPH):c.194G>A (p.Arg65His)

Gene: PSPH (phosphoserine phosphatase; minus strand). Cytogenetic location: 7p11.2.
Variant type: single nucleotide variant.
Coding change: c.194G>A on transcript NM_004577.4 (MANE Select); coding-DNA position 194, G replaced by A.
Protein change: p.Arg65His; replaces arginine 65 with histidine.
Molecular consequence: missense variant.
Genome position (GRCh38, 1-based): chr7:56,019,681, C>T on the plus strand (G>A on the coding strand, the complement: PSPH is on the minus strand). VCF-style: chr7-56019681-C-T. GRCh37 (hg19) VCF-style: chr7-56087374-C-T.
Other names: c.194G>A, p.Arg65His (NM_001370503.1, NM_001370504.1, NM_001370505.1 and 17 more transcripts); short protein forms R65H.
Identifiers: ClinVar variation 911507 (VCV000911507.11), dbSNP rs200442078, ClinGen allele CA4268741.